The following is an entry in ClinVar:

ClinVar aggregate classification (germline): Uncertain significance. Review status: criteria provided, multiple submitters, no conflicts (2 of 4 stars). 2 submissions from 2 submitters: Uncertain significance (2). Last evaluated 2025-10-03.

Conditions:
Neuroblastoma, susceptibility to, 3. Also called: ALK-Related Neuroblastic Tumor Susceptibility. Identifiers: Orphanet 635, MedGen C2751681, MONDO:0013083, OMIM 613014.
Hereditary cancer-predisposing syndrome. Also called: Hereditary Cancer Syndrome; Hereditary neoplastic syndrome; Neoplastic Syndromes, Hereditary; Tumor predisposition. Identifiers: Orphanet 140162, MedGen C0027672, MeSH D009386, MONDO:0015356.

Submissions (2):

Labcorp Genetics (formerly Invitae), Labcorp
Classification: Uncertain significance for Neuroblastoma, susceptibility to, 3. Last evaluated: 2025-10-03. Review status: criteria provided, single submitter. Criteria: Invitae Variant Classification Sherloc (09022015). Collection method: clinical testing. Allele origin: germline.
Comment: This sequence change replaces tyrosine, which is neutral and polar, with cysteine, which is neutral and slightly polar, at codon 1059 of the ALK protein (p.Tyr1059Cys). This variant is not present in population databases (gnomAD no frequency). This variant has not been reported in the literature in individuals affected with ALK-related conditions. ClinVar contains an entry for this variant (Variation ID: 3522961). An algorithm developed to predict the effect of missense changes on protein structure and function (PolyPhen-2) suggests that this variant is likely to be disruptive. In summary, the available evidence is currently insufficient to determine the role of this variant in disease. Therefore, it has been classified as a Variant of Uncertain Significance.

Ambry Genetics
Classification: Uncertain significance for Hereditary cancer-predisposing syndrome. Last evaluated: 2024-09-01. Review status: criteria provided, single submitter. Criteria: Ambry Variant Classification Scheme 2023. Collection method: clinical testing. Allele origin: germline.
Comment: The p.Y1059C variant (also known as c.3176A>G), located in coding exon 20 of the ALK gene, results from an A to G substitution at nucleotide position 3176. The tyrosine at codon 1059 is replaced by cysteine, an amino acid with highly dissimilar properties. This amino acid position is conserved. In addition, this alteration is predicted to be deleterious by in silico analysis. Based on the available evidence, the clinical significance of this variant remains unclear.

NM_004304.5(ALK):c.3176A>G (p.Tyr1059Cys)

Gene: ALK (ALK receptor tyrosine kinase; minus strand). Cytogenetic location: 2p23.2.
Variant type: single nucleotide variant.
Coding change: c.3176A>G on transcript NM_004304.5 (MANE Select); coding-DNA position 3176, A replaced by G.
Protein change: p.Tyr1059Cys; replaces tyrosine 1059 with cysteine.
Molecular consequence: missense variant. On other transcripts: 5 prime UTR variant (1).
Genome position (GRCh38, 1-based): chr2:29,223,525, T>C on the plus strand (A>G on the coding strand, the complement: ALK is on the minus strand). VCF-style: chr2-29223525-T-C. GRCh37 (hg19) VCF-style: chr2-29446391-T-C.
Other names: c.-29A>G (NM_001353765.2); short protein forms Y1059C.
Identifiers: ClinVar variation 3522961 (VCV003522961.2).